The following is an entry in ClinVar:

NM_024685.4(BBS10):c.800T>A (p.Leu267His)

Gene: BBS10 (Bardet-Biedl syndrome 10; minus strand). Cytogenetic location: 12q21.2.
Variant type: single nucleotide variant.
Coding change: c.800T>A on transcript NM_024685.4 (MANE Select); coding-DNA position 800, T replaced by A.
Protein change: p.Leu267His; replaces leucine 267 with histidine.
Molecular consequence: missense variant.
Genome position (GRCh38, 1-based): chr12:76,347,185, A>T on the plus strand (T>A on the coding strand, the complement: BBS10 is on the minus strand). VCF-style: chr12-76347185-A-T. GRCh37 (hg19) VCF-style: chr12-76740965-A-T.
Other names: short protein forms L267H.
Identifiers: ClinVar variation 1359184 (VCV001359184.5), dbSNP rs1592492358, ClinGen allele CA385814102.
Genomic context (GRCh38, chr12:76,347,185, plus strand): 5'-TGAGATGTCTGAAACTGTGCTTCTGAATTTAGAATAAACTCTGATCCAGAAGTGGAAAAA[A>T]GAGGCTGAATGGTTTCTGTTACTATCACCATTCGCATGTCACCATCTGCTGGGCGGTACA-3'
Protein context (NP_078961.3, residues 257-277): MVIVTETIQP[Leu267His]FSTSGSEFIL

ClinVar aggregate classification (germline): Uncertain significance (1 of 4 stars; one submission).

Conditions:
Bardet-Biedl syndrome (BBS). Identifiers: Orphanet 110, MedGen C0752166, MONDO:0015229.

Submission:

Labcorp Genetics (formerly Invitae), Labcorp
Classification: Uncertain significance for Bardet-Biedl syndrome. Last evaluated: 2021-08-26. Review status: criteria provided, single submitter. Criteria: Invitae Variant Classification Sherloc (09022015). Collection method: clinical testing. Allele origin: germline.
Comment: This sequence change replaces leucine with histidine at codon 267 of the BBS10 protein (p.Leu267His). The leucine residue is moderately conserved and there is a moderate physicochemical difference between leucine and histidine. This variant is not present in population databases (ExAC no frequency). This variant has not been reported in the literature in individuals affected with BBS10-related conditions. Algorithms developed to predict the effect of missense changes on protein structure and function are either unavailable or do not agree on the potential impact of this missense change (SIFT: "Tolerated"; PolyPhen-2: "Possibly Damaging"; Align-GVGD: "Class C0"). In summary, the available evidence is currently insufficient to determine the role of this variant in disease. Therefore, it has been classified as a Variant of Uncertain Significance.